The following is an entry in ClinVar:

NM_001374385.1(ATP8B1):c.2789G>A (p.Arg930Gln)

Genes: ATP8B1 (ATPase phospholipid transporting 8B1; minus strand), ATP8B1-AS1 (ATP8B1 antisense RNA 1; plus strand). Cytogenetic location: 18q21.31.
Variant type: single nucleotide variant.
Coding change: c.2789G>A on transcript NM_001374385.1 (MANE Select); coding-DNA position 2789, G replaced by A.
Protein change: p.Arg930Gln; replaces arginine 930 with glutamine.
Molecular consequence: missense variant.
Genome position (GRCh38, 1-based): chr18:57,655,336, C>T on the plus strand (G>A on the coding strand, the complement: ATP8B1 is on the minus strand). VCF-style: chr18-57655336-C-T. GRCh37 (hg19) VCF-style: chr18-55322568-C-T.
Other names: c.2639G>A, p.Arg880Gln (NM_001374386.1); c.2789G>A, p.Arg930Gln (NM_005603.6); short protein forms R930Q, R880Q.
Identifiers: ClinVar variation 259819 (VCV000259819.15), dbSNP rs35623014, ClinGen allele CA8974161.

ClinVar aggregate classification (germline): Benign. Review status: criteria provided, multiple submitters, no conflicts (2 of 4 stars). 5 submissions from 5 submitters: Benign (5). Last evaluated 2026-04-14.

Conditions:
Familial intrahepatic cholestasis. Identifiers: Orphanet 284385, MedGen CN296401, MONDO:0017290.
Progressive familial intrahepatic cholestasis type 1. Also called: BYLER DISEASE; Byler's disease; Severe ATP8B1 Deficiency (Progressive Familial Intrahepatic Cholestasis Type 1 [PFIC1]). Identifiers: Orphanet 79306, MedGen C4551898, MONDO:0008892, OMIM 211600.

Allele frequency attached by ClinVar (database versions not stated): gnomAD exomes 0.00047 and 0.00139; ExAC 0.00156; 1000 Genomes Project 30x 0.00375; 1000 Genomes Project 0.00379; ESP Exome Variant Server 0.00408; gnomAD 0.00425 and 0.00451; TOPMed 0.00500.
gnomAD v4.1: 1,381 of 1,614,152 alleles (0.086%); highest among the groups gnomAD compares: African/African-American, 1.4%; 8 homozygotes.

Submissions (5):

Genomenon, Inc
Classification: Benign for Familial intrahepatic cholestasis. Last evaluated: 2026-04-14. Review status: criteria provided, single submitter. Criteria: Genomenon Sequence Variant Interpretation Standards - Updated. Collection method: curation. Allele origin: germline. Affected: no.
Comment: ATP8B1 p.Arg930Gln (c.2789G>A) is a missense variant that changes the amino acid at residue 930 from Arginine to Glutamine. This variant is present at high allele frequency in population databases. In conclusion, we classify ATP8B1 p.Arg930Gln (c.2789G>A) as a benign variant.

Labcorp Genetics (formerly Invitae), Labcorp
Classification: Benign. Last evaluated: 2026-02-02. Review status: criteria provided, single submitter. Criteria: Invitae Variant Classification Sherloc (09022015). Collection method: clinical testing. Allele origin: germline.

GeneDx
Classification: Benign. Last evaluated: 2018-03-14. Review status: criteria provided, single submitter. Criteria: GeneDx Variant Classification Process June 2021. Collection method: clinical testing. Allele origin: germline. Affected: yes.

Illumina Laboratory Services, Illumina
Classification: Benign for Progressive familial intrahepatic cholestasis type 1. Last evaluated: 2017-04-28. Review status: criteria provided, single submitter. Criteria: ICSL Variant Classification Criteria 13 December 2019. Collection method: clinical testing. Allele origin: germline.
Comment: This variant was observed as part of a predisposition screen in an ostensibly healthy population. A literature search was performed for the gene, cDNA change, and amino acid change (where applicable). Publications were found based on this search. The evidence from the literature, in combination with allele frequency data from public databases where available, was sufficient to rule this variant out of causing disease. Therefore, this variant is classified as benign.

PreventionGenetics, part of Exact Sciences
Classification: Benign. Review status: criteria provided, single submitter. Criteria: ACMG Guidelines, 2015. Collection method: clinical testing. Allele origin: germline.

Literature cited by the submitters: PubMed 24260417 (cited by Illumina Laboratory Services, Illumina).